The following is an entry in ClinVar:

ClinVar aggregate classification (germline): Conflicting classifications of pathogenicity. Review status: criteria provided, conflicting classifications (1 of 4 stars). 3 submissions from 3 submitters: Uncertain significance (2); Likely benign (1). Last evaluated 2025-11-08.

Conditions:
Inborn genetic diseases. Identifiers: MedGen C0950123, MeSH D030342.

Allele frequency attached by ClinVar (database versions not stated): gnomAD exomes 0.00003 and 0.00006; ExAC 0.00010; ESP Exome Variant Server 0.00015; gnomAD 0.00026 and 0.00027; TOPMed 0.00029; 1000 Genomes Project 30x 0.00047; 1000 Genomes Project 0.00060.
gnomAD v4.1: 82 of 1,613,470 alleles (0.0051%); highest among the groups gnomAD compares: African/African-American, 0.096%; no homozygotes.

Submissions (3):

Ambry Genetics
Classification: Uncertain significance for Inborn genetic diseases. Last evaluated: 2025-11-08. Review status: criteria provided, single submitter. Criteria: Ambry Variant Classification Scheme 2023. Collection method: clinical testing. Allele origin: germline.

Labcorp Genetics (formerly Invitae), Labcorp
Classification: Uncertain significance. Last evaluated: 2025-04-27. Review status: criteria provided, single submitter. Criteria: Invitae Variant Classification Sherloc (09022015). Collection method: clinical testing. Allele origin: germline.
Comment: This sequence change replaces valine, which is neutral and non-polar, with isoleucine, which is neutral and non-polar, at codon 105 of the NRL protein (p.Val105Ile). This variant is present in population databases (rs200951743, gnomAD 0.08%). This variant has not been reported in the literature in individuals affected with NRL-related conditions. ClinVar contains an entry for this variant (Variation ID: 971015). An algorithm developed to predict the effect of missense changes on protein structure and function (PolyPhen-2) suggests that this variant is likely to be tolerated. In summary, the available evidence is currently insufficient to determine the role of this variant in disease. Therefore, it has been classified as a Variant of Uncertain Significance.

Blueprint Genetics
Classification: Likely benign. Last evaluated: 2024-08-06. Review status: criteria provided, single submitter. Criteria: ACMG Guidelines, 2015. Collection method: clinical testing. Allele origin: germline.

NM_001354768.3(NRL):c.313G>A (p.Val105Ile)

Gene: NRL (neural retina leucine zipper; minus strand). Cytogenetic location: 14q11.2.
Variant type: single nucleotide variant.
Coding change: c.313G>A on transcript NM_001354768.3 (MANE Select); coding-DNA position 313, G replaced by A.
Protein change: p.Val105Ile; replaces valine 105 with isoleucine.
Molecular consequence: missense variant. On other transcripts: intron variant (1).
Genome position (GRCh38, 1-based): chr14:24,082,536, C>T on the plus strand (G>A on the coding strand, the complement: NRL is on the minus strand). VCF-style: chr14-24082536-C-T. GRCh37 (hg19) VCF-style: chr14-24551745-C-T.
Other names: c.313G>A, p.Val105Ile (NM_001354769.1, NM_006177.5); c.66+247G>A (NM_001354770.2); short protein forms V105I.
Identifiers: ClinVar variation 971015 (VCV000971015.10), dbSNP rs200951743, ClinGen allele CA7122890.